The following is an entry in ClinVar:

NM_000132.4(F8):c.1238A>C (p.Asp413Ala)

Gene: F8 (coagulation factor VIII; minus strand). Cytogenetic location: Xq28.
Variant type: single nucleotide variant.
Coding change: c.1238A>C on transcript NM_000132.4 (MANE Select); coding-DNA position 1238, A replaced by C.
Protein change: p.Asp413Ala; replaces aspartic acid 413 with alanine.
Molecular consequence: missense variant.
Genome position (GRCh38, 1-based): chrX:154,966,459, T>G on the plus strand (A>C on the coding strand, the complement: F8 is on the minus strand). VCF-style: chrX-154966459-T-G. GRCh37 (hg19) VCF-style: chrX-154194734-T-G.
Other names: short protein forms D413A.
Identifiers: ClinVar variation 3902350 (VCV003902350.1).

ClinVar aggregate classification (germline): Uncertain significance (1 of 4 stars; one submission).

Submission:

Women's Health and Genetics/Laboratory Corporation of America, LabCorp
Classification: Uncertain significance. Last evaluated: 2025-05-09. Review status: criteria provided, single submitter. Criteria: LabCorp Variant Classification Summary - May 2015. Collection method: clinical testing. Allele origin: germline.
Comment: Variant summary: F8 c.1238A>C (p.Asp413Ala) results in a non-conservative amino acid change in the encoded protein sequence. Algorithms developed to predict the effect of missense changes on protein structure and function all suggest that this variant is likely to be disruptive. The variant was absent in 182924 control chromosomes. The available data on variant occurrences in the general population are insufficient to allow any conclusion about variant significance. To our knowledge, no occurrence of c.1238A>C in individuals affected with Factor VIII Deficiency (Hemophilia A) has been reported. One publication reports experimental evidence evaluating an impact on protein function, however, does not allow convincing conclusions about the variant effect (Nogami_2005). The following publication has been ascertained in the context of this evaluation (PMID: 15746105). No submitters have cited clinical-significance assessments for this variant to ClinVar. Based on the evidence outlined above, the variant was classified as uncertain significance.

Literature cited by the submitters: PubMed 15746105.